The following is an entry in ClinVar:

ClinVar aggregate classification (germline): Uncertain significance (1 of 4 stars; one submission).

Submission:

Labcorp Genetics (formerly Invitae), Labcorp
Classification: Uncertain significance. Last evaluated: 2025-05-19. Review status: criteria provided, single submitter. Criteria: Invitae Variant Classification Sherloc (09022015). Collection method: clinical testing. Allele origin: germline.
Comment: This variant, c.1419_1421del, results in the deletion of 1 amino acid(s) of the ZCCHC8 protein (p.Pro474del), but otherwise preserves the integrity of the reading frame. This variant is present in population databases (rs780261878, gnomAD 0.001%). This variant has not been reported in the literature in individuals affected with ZCCHC8-related conditions. Experimental studies and prediction algorithms are not available or were not evaluated, and the functional significance of this variant is currently unknown. In summary, the available evidence is currently insufficient to determine the role of this variant in disease. Therefore, it has been classified as a Variant of Uncertain Significance.

NM_017612.5(ZCCHC8):c.1416TCC[1] (p.Pro474del)

Gene: ZCCHC8 (zinc finger CCHC-type containing 8; minus strand). Cytogenetic location: 12q24.31.
Variant type: Microsatellite.
Coding change: c.1416TCC[1] on transcript NM_017612.5 (MANE Select); one copy of the 3-base unit TCC starting at c.1416; the reference has two copies in a row; one copy, 3 bases deleted.
Protein change: p.Pro474del; deletes proline 474.
Molecular consequence: inframe deletion.
Genome position (GRCh38, 1-based): chr12:122,474,200-122,474,202, GGA deleted on the plus strand (TCC on the coding strand, the reverse complement: ZCCHC8 is on the minus strand); deleting any 3 consecutive bases within chr12:122,474,200-122,474,206 gives the same sequence; the position shown is the placement nearest the transcript's 3' end. VCF-style (leftmost placement, unchanged base first): chr12-122474199-TGGA-T. GRCh37 (hg19) VCF-style: chr12-122958746-TGGA-T.
Other names: c.1185TCC[1], p.Pro397del (NM_001350935.2); c.1119TCC[1], p.Pro375del (NM_001350936.2); c.702TCC[1], p.Pro236del (NM_001350937.2, NM_001350938.2); short protein forms P236del, P375del, P397del, P474del.
Identifiers: ClinVar variation 4743616 (VCV004743616.1).